The following is an entry in ClinVar:

NM_001065.4(TNFRSF1A):c.810C>A (p.Asn270Lys)

Gene: TNFRSF1A (TNF receptor superfamily member 1A; minus strand). Cytogenetic location: 12p13.31.
Variant type: single nucleotide variant.
Coding change: c.810C>A on transcript NM_001065.4 (MANE Select); coding-DNA position 810, C replaced by A.
Protein change: p.Asn270Lys; replaces asparagine 270 with lysine.
Molecular consequence: missense variant. On other transcripts: non-coding transcript variant (1).
Genome position (GRCh38, 1-based): chr12:6,330,025, G>T on the plus strand (C>A on the coding strand, the complement: TNFRSF1A is on the minus strand). VCF-style: chr12-6330025-G-T. GRCh37 (hg19) VCF-style: chr12-6439191-G-T.
Other names: c.486C>A, p.Asn162Lys (NM_001346091.2); c.351C>A, p.Asn117Lys (NM_001346092.2); short protein forms N270K, N117K, N162K.
Identifiers: ClinVar variation 938976 (VCV000938976.9), dbSNP rs773534506, ClinGen allele CA6405351.

ClinVar aggregate classification (germline): Uncertain significance (1 of 4 stars; one submission).

Conditions:
TNF receptor-associated periodic fever syndrome (TRAPS) (FPF). Also called: TNF RECEPTOR-ASSOCIATED PERIODIC SYNDROME; TUMOR NECROSIS FACTOR RECEPTOR-ASSOCIATED PERIODIC SYNDROME; TNF Receptor-Associated Periodic Fever Syndrome; FAMILIAL HIBERNIAN FEVER; TNF receptor 1-associated periodic fever syndrome; Autosomal Dominant Familial Periodic Fever. Identifiers: Orphanet 32960, MedGen C1275126, MONDO:0007727, OMIM 142680.

Allele frequency attached by ClinVar (database versions not stated): ExAC 0.00001; gnomAD 0.00001; TOPMed 0.00001.
gnomAD v4.1: 17 of 1,611,996 alleles (0.0011%); highest among the groups gnomAD compares: Non-Finnish European, 0.0014%; no homozygotes.

Submission:

Labcorp Genetics (formerly Invitae), Labcorp
Classification: Uncertain significance for TNF receptor-associated periodic fever syndrome (TRAPS). Last evaluated: 2022-12-30. Review status: criteria provided, single submitter. Criteria: Invitae Variant Classification Sherloc (09022015). Collection method: clinical testing. Allele origin: germline.
Comment: In summary, the available evidence is currently insufficient to determine the role of this variant in disease. Therefore, it has been classified as a Variant of Uncertain Significance. Algorithms developed to predict the effect of missense changes on protein structure and function (SIFT, PolyPhen-2, Align-GVGD) all suggest that this variant is likely to be tolerated. ClinVar contains an entry for this variant (Variation ID: 938976). This variant has not been reported in the literature in individuals affected with TNFRSF1A-related conditions. This variant is present in population databases (rs773534506, gnomAD 0.004%). This sequence change replaces asparagine, which is neutral and polar, with lysine, which is basic and polar, at codon 270 of the TNFRSF1A protein (p.Asn270Lys).